The following is an entry in ClinVar:

NM_020442.6(VARS2):c.985+56A>G

Gene: VARS2 (valyl-tRNA synthetase 2, mitochondrial; plus strand). Cytogenetic location: 6p21.33.
Variant type: single nucleotide variant.
Coding change: c.985+56A>G on transcript NM_020442.6 (MANE Select); 56 bases into the intron after coding-DNA position 985, A replaced by G.
Molecular consequence: intron variant.
Genome position (GRCh38, 1-based): chr6:30,917,862, A>G. VCF-style: chr6-30917862-A-G. GRCh37 (hg19) VCF-style: chr6-30885639-A-G.
Other names: c.1075+56A>G (NM_001167734.2); c.565+56A>G (NM_001167733.3).
Identifiers: ClinVar variation 1229689 (VCV001229689.5), dbSNP rs9262288, ClinGen allele CA12265432.

ClinVar aggregate classification (germline): Benign. Review status: criteria provided, multiple submitters, no conflicts (2 of 4 stars). 2 submissions from 2 submitters: Benign (2). Last evaluated 2024-07-31.

Allele frequency attached by ClinVar (database versions not stated): 1000 Genomes Project 30x 0.22080; 1000 Genomes Project 0.22244; TOPMed 0.26288; gnomAD 0.27886 and 0.27979; gnomAD exomes 0.34117.
gnomAD v4.1: 509,124 of 1,524,872 alleles (33%); highest among the groups gnomAD compares: Non-Finnish European, 36%; 88,456 homozygotes.

Submissions (2):

Unidad de Genómica Garrahan, Hospital de Pediatría Garrahan
Classification: Benign. Last evaluated: 2024-07-31. Review status: criteria provided, single submitter. Criteria: ACMG Guidelines, 2015. Collection method: clinical testing. Allele origin: germline. Affected: no. Observed: 46 variant alleles.
Comment: This variant is classified as Benign based on local population frequency. This variant was detected in 49% of patients studied in a panel designed for Epileptic and Developmental Encephalopathy, Progressive Myoclonus Epilepsy and Abnormal Movements and Neurodegeneration with brain iron accumulation. Number of patients: 46. Only high quality variants are reported.

GeneDx
Classification: Benign. Last evaluated: 2018-06-23. Review status: criteria provided, single submitter. Criteria: GeneDx Variant Classification Process June 2021. Collection method: clinical testing. Allele origin: germline. Affected: yes.